The following is an entry in ClinVar:

ClinVar aggregate classification (germline): Uncertain significance (1 of 4 stars; one submission).

Allele frequency attached by ClinVar (database versions not stated): gnomAD exomes 0.00010 and 0.00012; TOPMed 0.00010; ExAC 0.00012; gnomAD 0.00012 and 0.00013; 1000 Genomes Project 0.00020; 1000 Genomes Project 30x 0.00031; ESP Exome Variant Server 0.00031.
gnomAD v4.1: 159 of 1,613,910 alleles (0.0099%); highest among the groups gnomAD compares: Middle Eastern, 0.017%; 1 homozygote.

Submission:

Labcorp Genetics (formerly Invitae), Labcorp
Classification: Uncertain significance. Last evaluated: 2022-10-01. Review status: criteria provided, single submitter. Criteria: Invitae Variant Classification Sherloc (09022015). Collection method: clinical testing. Allele origin: germline.
Comment: This sequence change replaces isoleucine, which is neutral and non-polar, with valine, which is neutral and non-polar, at codon 288 of the EXOSC9 protein (p.Ile288Val). This variant is present in population databases (rs34457380, gnomAD 0.02%). This variant has not been reported in the literature in individuals affected with EXOSC9-related conditions. ClinVar contains an entry for this variant (Variation ID: 1360587). Advanced modeling of protein sequence and biophysical properties (such as structural, functional, and spatial information, amino acid conservation, physicochemical variation, residue mobility, and thermodynamic stability) performed at Invitae indicates that this missense variant is not expected to disrupt EXOSC9 protein function. In summary, the available evidence is currently insufficient to determine the role of this variant in disease. Therefore, it has been classified as a Variant of Uncertain Significance.

NM_005033.3(EXOSC9):c.862A>G (p.Ile288Val)

Gene: EXOSC9 (exosome component 9; plus strand). Cytogenetic location: 4q27.
Variant type: single nucleotide variant.
Coding change: c.862A>G on transcript NM_005033.3 (MANE Select); coding-DNA position 862, A replaced by G.
Protein change: p.Ile288Val; replaces isoleucine 288 with valine.
Molecular consequence: missense variant.
Genome position (GRCh38, 1-based): chr4:121,813,268, A>G. VCF-style: chr4-121813268-A-G. GRCh37 (hg19) VCF-style: chr4-122734423-A-G.
Other names: c.862A>G, p.Ile288Val (NM_001034194.2); short protein forms I288V.
Identifiers: ClinVar variation 1360587 (VCV001360587.3), dbSNP rs34457380, ClinGen allele CA3063563.
Genomic context (GRCh38, chr4:121,813,268, plus strand): 5'-CCCACCAAAAAAACCCCCACATACAGGAAAGAAGGTGGAAAGTTTGGTTTTGCAGAGTCT[A>G]TAGCAAATCAAAGGATCACAGCATTTAAAATGGAAAAGGCCCCTATTGATACCTCGGATG-3'
Protein context (NP_005024.2, residues 278-298): EGGKFGFAES[Ile288Val]ANQRITAFKM